The following is an entry in ClinVar:

ClinVar aggregate classification (germline): Likely pathogenic (1 of 4 stars; one submission).

Submission:

Labcorp Genetics (formerly Invitae), Labcorp
Classification: Likely pathogenic. Last evaluated: 2018-05-10. Review status: criteria provided, single submitter. Criteria: Invitae Variant Classification Sherloc (09022015). Collection method: clinical testing. Allele origin: germline.
Comment: In summary, the currently available evidence indicates that the variant is pathogenic, but additional data are needed to prove that conclusively. Therefore, this variant has been classified as Likely Pathogenic. Donor and acceptor splice site variants typically lead to a loss of protein function (PMID: 16199547), and loss-of-function variants in HERC1 are known to be pathogenic (PMID: 26138117, 26153217, 27108999). Algorithms developed to predict the effect of sequence changes on RNA splicing suggest that this variant may disrupt the consensus splice site, but this prediction has not been confirmed by published transcriptional studies. This variant has not been reported in the literature in individuals with HERC1-related disease. This variant is not present in population databases (ExAC no frequency). This sequence change affects a donor splice site in intron 69 of the HERC1 gene. It is expected to disrupt RNA splicing and likely results in an absent or disrupted protein product.

Literature cited by the submitters: PubMed 16199547; PubMed 26138117; PubMed 26153217; PubMed 27108999.

NM_003922.4(HERC1):c.12966+2T>G

Gene: HERC1 (HECT and RLD domain containing E3 ubiquitin protein ligase family member 1; minus strand). Cytogenetic location: 15q22.31.
Variant type: single nucleotide variant.
Coding change: c.12966+2T>G on transcript NM_003922.4 (MANE Select); the canonical splice donor site of the intron after coding-DNA position 12966, T replaced by G.
Molecular consequence: splice donor variant.
Genome position (GRCh38, 1-based): chr15:63,630,464, A>C on the plus strand (T>G on the coding strand, the complement: HERC1 is on the minus strand). VCF-style: chr15-63630464-A-C. GRCh37 (hg19) VCF-style: chr15-63922663-A-C.
Identifiers: ClinVar variation 1067092 (VCV001067092.7), dbSNP rs2152800486, ClinGen allele CA392736487.